The following is an entry in ClinVar:

NM_133259.4(LRPPRC):c.*1961T>C

Gene: LRPPRC (leucine rich pentatricopeptide repeat containing; minus strand). Cytogenetic location: 2p21.
Variant type: single nucleotide variant.
Coding change: c.*1961T>C on transcript NM_133259.4 (MANE Select); 1961 bases downstream of the stop codon, T replaced by C.
Molecular consequence: 3 prime UTR variant.
Genome position (GRCh38, 1-based): chr2:43,886,639, A>G on the plus strand (T>C on the coding strand, the complement: LRPPRC is on the minus strand). VCF-style: chr2-43886639-A-G. GRCh37 (hg19) VCF-style: chr2-44113778-A-G.
Identifiers: ClinVar variation 336106 (VCV000336106.5), dbSNP rs541683193, ClinGen allele CA10615490.
Genomic context (GRCh38, chr2:43,886,639, plus strand): 5'-ATAAGGGGGTCTTACCTATTTCCTCTGTACCACACTCACATTTTACCAGAGTCCATATAC[A>G]GGGCCAGTGTGGAGTCACTTCATGCAAATGAGATGGTACTTTCAGTTTCCCCAAAAAGAT-3'

ClinVar aggregate classification (germline): Likely benign (1 of 4 stars; one submission).

Conditions:
Congenital lactic acidosis, Saguenay-Lac-Saint-Jean type (MC4DN5). Also called: CYTOCHROME c OXIDASE DEFICIENCY, FRENCH CANADIAN TYPE; COX DEFICIENCY, FRENCH CANADIAN TYPE; MITOCHONDRIAL COMPLEX IV DEFICIENCY, NUCLEAR TYPE 5. Identifiers: Orphanet 70472, MedGen C1857355, MONDO:0009069, OMIM 220111.

Allele frequency attached by ClinVar (database versions not stated): gnomAD 0.00003 and 0.00038; TOPMed 0.00006; 1000 Genomes Project 30x 0.00297; 1000 Genomes Project 0.00300.

Submission:

Illumina Laboratory Services, Illumina
Classification: Likely benign for Congenital lactic acidosis, Saguenay-Lac-Saint-Jean type. Last evaluated: 2018-01-13. Review status: criteria provided, single submitter. Criteria: ICSL Variant Classification Criteria 13 December 2019. Collection method: clinical testing. Allele origin: germline.
Comment: This variant was observed in the ICSL laboratory as part of a predisposition screen in an ostensibly healthy population. It had not been previously curated by ICSL or reported in the Human Gene Mutation Database (HGMD: prior to June 1st, 2018), and was therefore a candidate for classification through an automated scoring system. Utilizing variant allele frequency, disease prevalence and penetrance estimates, and inheritance mode, an automated score was calculated to assess if this variant is too frequent to cause the disease. Based on the score and internal cut-off values, a variant classified as likely benign is not then subjected to further curation. The score for this variant resulted in a classification of likely benign for this disease.